The following is an entry in ClinVar:

NM_002900.3(RBP3):c.1549A>G (p.Thr517Ala)

Gene: RBP3 (retinol binding protein 3; plus strand). Cytogenetic location: 10q11.22.
Variant type: single nucleotide variant.
Coding change: c.1549A>G on transcript NM_002900.3 (MANE Select); coding-DNA position 1549, A replaced by G.
Protein change: p.Thr517Ala; replaces threonine 517 with alanine.
Molecular consequence: missense variant.
Genome position (GRCh38, 1-based): chr10:47,350,033, A>G. VCF-style: chr10-47350033-A-G. GRCh37 (hg19) VCF-style: chr10-48389329-T-C.
Other names: short protein forms T517A.
Identifiers: ClinVar variation 1412350 (VCV001412350.7), dbSNP rs782133131, ClinGen allele CA5487498.
Genomic context (GRCh38, chr10:47,350,033, plus strand): 5'-CAGGGCCCTGAGGCCGGCCCCGTGCACCTCTTCACCACCTATGATCGCCGCACCAACATC[A>G]CGCAGGAGCACTTCAGCCACATGGAGCTCCCGGGCCCACGCTACAGCACCCAACGTGGGG-3'
Protein context (NP_002891.1, residues 507-527): FTTYDRRTNI[Thr517Ala]QEHFSHMELP

ClinVar aggregate classification (germline): Uncertain significance. Review status: criteria provided, multiple submitters, no conflicts (2 of 4 stars). 2 submissions from 2 submitters: Uncertain significance (2). Last evaluated 2024-06-17.

Allele frequency attached by ClinVar (database versions not stated): gnomAD exomes 0.00001; ExAC 0.00002; gnomAD 0.00004.
gnomAD v4.1: 16 of 1,612,728 alleles (0.00099%); highest among the groups gnomAD compares: Non-Finnish European, 0.0012%; no homozygotes.

Submissions (2):

Labcorp Genetics (formerly Invitae), Labcorp
Classification: Uncertain significance. Last evaluated: 2024-06-17. Review status: criteria provided, single submitter. Criteria: Invitae Variant Classification Sherloc (09022015). Collection method: clinical testing. Allele origin: germline.
Comment: This sequence change replaces threonine, which is neutral and polar, with alanine, which is neutral and non-polar, at codon 517 of the RBP3 protein (p.Thr517Ala). This variant is present in population databases (rs782133131, gnomAD 0.004%). This variant has not been reported in the literature in individuals affected with RBP3-related conditions. ClinVar contains an entry for this variant (Variation ID: 1412350). An algorithm developed to predict the effect of missense changes on protein structure and function (PolyPhen-2) suggests that this variant is likely to be tolerated. In summary, the available evidence is currently insufficient to determine the role of this variant in disease. Therefore, it has been classified as a Variant of Uncertain Significance.

Blueprint Genetics
Classification: Uncertain significance. Last evaluated: 2023-12-26. Review status: criteria provided, single submitter. Criteria: ACMG Guidelines, 2015. Collection method: clinical testing. Allele origin: germline.